The following is an entry in ClinVar:

ClinVar aggregate classification (germline): Likely pathogenic (1 of 4 stars; one submission).

Submission:

GeneDx
Classification: Likely pathogenic. Last evaluated: 2020-02-26. Review status: criteria provided, single submitter. Criteria: GeneDx Variant Classification Process June 2021. Collection method: clinical testing. Allele origin: germline. Affected: yes.
Comment: Not observed in large population cohorts (Lek et al., 2016); In silico analysis supports that this missense variant has a deleterious effect on protein structure/function; Has not been previously published as pathogenic or benign to our knowledge

NM_000157.4(GBA1):c.860G>T (p.Cys287Phe)

Genes: GBA1 (glucosylceramidase beta 1; minus strand), LOC106627981 (GBA recombination region; plus strand). Cytogenetic location: 1q22.
Variant type: single nucleotide variant.
Coding change: c.860G>T on transcript NM_000157.4 (MANE Select); coding-DNA position 860, G replaced by T.
Protein change: p.Cys287Phe; replaces cysteine 287 with phenylalanine.
Molecular consequence: missense variant.
Genome position (GRCh38, 1-based): chr1:155,237,480, C>A on the plus strand (G>T on the coding strand, the complement: GBA1 is on the minus strand). VCF-style: chr1-155237480-C-A. GRCh37 (hg19) VCF-style: chr1-155207271-C-A.
Other names: c.860G>T, p.Cys287Phe (NM_001005741.3, NM_001005742.3); c.599G>T, p.Cys200Phe (NM_001171811.2); c.713G>T, p.Cys238Phe (NM_001171812.2); short protein forms C287F, C200F, C238F.
Identifiers: ClinVar variation 392923 (VCV000392923.4), dbSNP rs1057524702, ClinGen allele CA16603437.